The following is an entry in ClinVar:

ClinVar aggregate classification (germline): Uncertain significance (1 of 4 stars; one submission).

Conditions:
TMEM184B-associated neurodevelopmental disorder.

Submission:

Institute of Human Genetics, University of Leipzig Medical Center
Classification: Uncertain significance for TMEM184B-associated neurodevelopmental disorder. Last evaluated: 2025-11-03. Review status: criteria provided, single submitter. Criteria: ACMG Guidelines, 2015. Collection method: clinical testing. Allele origin: unknown. Inheritance: Autosomal dominant inheritance. Affected: yes.
Comment: Criteria applied: PM2,PM1_SUP,PP2,PP3

Literature cited by the submitters: PubMed 40885185.

NM_012264.5(TMEM184B):c.520A>G (p.Lys174Glu)

Gene: TMEM184B (transmembrane protein 184B; minus strand). Cytogenetic location: 22q13.1.
Variant type: single nucleotide variant.
Coding change: c.520A>G on transcript NM_012264.5 (MANE Select); coding-DNA position 520, A replaced by G.
Protein change: p.Lys174Glu; replaces lysine 174 with glutamic acid.
Molecular consequence: missense variant.
Genome position (GRCh38, 1-based): chr22:38,230,674, T>C on the plus strand (A>G on the coding strand, the complement: TMEM184B is on the minus strand). VCF-style: chr22-38230674-T-C. GRCh37 (hg19) VCF-style: chr22-38626680-T-C.
Other names: c.520A>G, p.Lys174Glu (NM_001195071.1); c.322A>G, p.Lys108Glu (NM_001195072.2); short protein forms K108E, K174E.
Identifiers: ClinVar variation 4533314 (VCV004533314.1).
Genomic context (GRCh38, chr22:38,230,674, plus strand): 5'-CCTCCCAGACCCCGCCCTGCTCCTCCTGAGCTAGGCAGCTGCTGGGGGCACACACCTGTT[T>C]GCAGAACCTCAGAAATCCGATGGAATAAGTCTTTCCCCAGAGGCAGCAGGTGCCATACAT-3'
Protein context (NP_036396.2, residues 164-184): TYSIGFLRFC[Lys174Glu]QATLQFCVVK